The following is an entry in ClinVar:

ClinVar aggregate classification (germline): Benign/Likely benign. Review status: criteria provided, multiple submitters, no conflicts (2 of 4 stars). 12 submissions from 12 submitters: Benign (5); Likely benign (3). 4 of the submissions do not count toward it. Last evaluated 2026-02-01.

Conditions:
AKAP9-related disorder. Also called: AKAP9-related condition.
Cardiovascular phenotype. Identifiers: MedGen CN230736.
Long QT syndrome (LQTS). Identifiers: MedGen C0023976, MeSH D008133, MONDO:0002442. Disease mechanism: loss of function. Inheritance: Various modes of inheritance.
Long QT syndrome 11 (LQT11). Identifiers: Orphanet 101016, Orphanet 768, MedGen C2678483, MONDO:0012738, OMIM 611820.

Allele frequency attached by ClinVar (database versions not stated): 1000 Genomes Project 0.00100; 1000 Genomes Project 30x 0.00141; gnomAD 0.00145 and 0.00146; gnomAD exomes 0.00148; ExAC 0.00153; TOPMed 0.00153; ESP Exome Variant Server 0.00192.
gnomAD v4.1: 3,727 of 1,613,768 alleles (0.23%); highest among the groups gnomAD compares: Non-Finnish European, 0.29%; 9 homozygotes.

Submissions (12):

Labcorp Genetics (formerly Invitae), Labcorp
Classification: Benign for Long QT syndrome. Last evaluated: 2026-02-01. Review status: criteria provided, single submitter. Criteria: Invitae Variant Classification Sherloc (09022015). Collection method: clinical testing. Allele origin: germline.

Blueprint Genetics
Classification: Likely benign. Last evaluated: 2024-11-05. Review status: criteria provided, single submitter. Criteria: ACMG Guidelines, 2015. Collection method: clinical testing. Allele origin: germline.

Women's Health and Genetics/Laboratory Corporation of America, LabCorp
Classification: Benign. Last evaluated: 2023-08-20. Review status: criteria provided, single submitter. Criteria: LabCorp Variant Classification Summary - May 2015. Collection method: clinical testing. Allele origin: germline.

Fulgent Genetics
Classification: Benign for Long QT syndrome 11. Last evaluated: 2022-02-15. Review status: criteria provided, single submitter. Criteria: ACMG Guidelines, 2015. Collection method: clinical testing. Allele origin: unknown.

Genome-Nilou Lab
Classification: Benign for Long QT syndrome 11. Last evaluated: 2021-12-05. Review status: criteria provided, single submitter. Criteria: ACMG Guidelines, 2015. Collection method: clinical testing. Allele origin: germline. Affected: no.

Ambry Genetics
Classification: Likely benign for Cardiovascular phenotype. Last evaluated: 2015-10-02. Review status: criteria provided, single submitter. Criteria: Ambry Variant Classification Scheme 2023. Collection method: clinical testing. Allele origin: germline.

GeneDx
Classification: Benign. Last evaluated: 2012-01-26. Review status: criteria provided, single submitter. Criteria: GeneDx Variant Classification (06012015). Collection method: clinical testing. Allele origin: germline. Affected: yes.
Comment: This variant is considered likely benign or benign based on one or more of the following criteria: it is a conservative change, it occurs at a poorly conserved position in the protein, it is predicted to be benign by multiple in silico algorithms, and/or has population frequency not consistent with disease.

Breakthrough Genomics
Classification: Likely benign. Review status: criteria provided, single submitter. Criteria: ACMG Guidelines, 2015. Collection method: not provided. Allele origin: germline. Inheritance: Autosomal dominant inheritance. Affected: yes.

PreventionGenetics, part of Exact Sciences
Classification: Likely benign for AKAP9-related condition. Last evaluated: 2019-04-04. Review status: no assertion criteria provided. Collection method: clinical testing. Allele origin: germline. Not counted in ClinVar's aggregate classification.
Comment: This variant is classified as likely benign based on ACMG/AMP sequence variant interpretation guidelines (Richards et al. 2015 PMID: 25741868, with internal and published modifications).

Clinical Genetics, Academic Medical Center
Classification: Benign. Review status: no assertion criteria provided. Collection method: clinical testing. Allele origin: germline. Affected: yes. Study: VKGL Data-share Consensus. Not counted in ClinVar's aggregate classification.

Genome Diagnostics Laboratory, University Medical Center Utrecht
Classification: Benign. Review status: no assertion criteria provided. Collection method: clinical testing. Allele origin: germline. Affected: yes. Study: VKGL Data-share Consensus. Not counted in ClinVar's aggregate classification.

Joint Genome Diagnostic Labs from Nijmegen and Maastricht, Radboudumc and MUMC+
Classification: Likely benign. Review status: no assertion criteria provided. Collection method: clinical testing. Allele origin: germline. Affected: yes. Study: VKGL Data-share Consensus. Not counted in ClinVar's aggregate classification.

NM_005751.5(AKAP9):c.1536C>T (p.Leu512=)

Gene: AKAP9 (A-kinase anchoring protein 9; plus strand). Cytogenetic location: 7q21.2.
Variant type: single nucleotide variant.
Coding change: c.1536C>T on transcript NM_005751.5 (MANE Select); coding-DNA position 1536, C replaced by T.
Protein change: p.Leu512=; no amino-acid change (leucine 512 retained).
Molecular consequence: synonymous variant.
Genome position (GRCh38, 1-based): chr7:92,001,453, C>T. VCF-style: chr7-92001453-C-T. GRCh37 (hg19) VCF-style: chr7-91630767-C-T.
Other names: p.L512L:CTC>CTT; c.1536C>T, p.Leu512= (NM_147185.3).
Identifiers: ClinVar variation 136348 (VCV000136348.26), dbSNP rs61757665, ClinGen allele CA289370.
Genomic context (GRCh38, chr7:92,001,453, plus strand): 5'-TGTGGCAATAAATGAACTGAATATAAAATTGCAAGATACTAACTCTCAAAAGGAAAAACT[C>T]AAGGAAGAACTAGGACTAATTTTAGAAGAAAAGTGTGCTCTACAGAGACAGCTTGAAGAC-3'
Protein context (NP_005742.4, residues 502-522): LQDTNSQKEK[Leu512=]KEELGLILEE